The following is an entry in ClinVar:

NM_000533.5(PLP1):c.98G>T (p.Cys33Phe)

Genes: PLP1 (proteolipid protein 1; plus strand), RAB9B (RAB9B, member RAS oncogene family; minus strand). Cytogenetic location: Xq22.2.
Variant type: single nucleotide variant.
Coding change: c.98G>T on transcript NM_000533.5 (MANE Select); coding-DNA position 98, G replaced by T.
Protein change: p.Cys33Phe; replaces cysteine 33 with phenylalanine.
Molecular consequence: missense variant. On other transcripts: intron variant (1).
Genome position (GRCh38, 1-based): chrX:103,785,675, G>T. VCF-style: chrX-103785675-G-T. GRCh37 (hg19) VCF-style: chrX-103040604-G-T.
Other names: c.98G>T, p.Cys33Phe (NM_001128834.3, NM_199478.3); c.5-72G>T (NM_001305004.1); short protein forms C33F.
Identifiers: ClinVar variation 1479235 (VCV001479235.7), dbSNP rs1064794255, ClinGen allele CA414102051.
Genomic context (GRCh38, chrX:103,785,675, plus strand): 5'-GGGCCCCCTTTGCTTCCCTGGTGGCCACTGGATTGTGTTTCTTTGGGGTGGCACTGTTCT[G>T]TGGCTGTGGACATGAAGCCCTCACTGGCACAGAAAAGCTAATTGAGACCTATTTCTCCAA-3'
Protein context (NP_000524.3, residues 23-43): GLCFFGVALF[Cys33Phe]GCGHEALTGT

ClinVar aggregate classification (germline): Uncertain significance. Review status: criteria provided, multiple submitters, no conflicts (2 of 4 stars). 2 submissions from 2 submitters: Uncertain significance (2). Last evaluated 2022-11-01.

Conditions:
Pelizaeus-Merzbacher disease. Also called: Pelizaeus-Merzbacher Disease (PMD); Pelizaeus-Merzbacher spectrum disorder; LEUKODYSTROPHY, HYPOMYELINATING, 1; Sudanophilic leukodystrophy; Pelizeaus-Merzbacher spectrum disorder. Identifiers: Orphanet 702, MedGen C0205711, MONDO:0010714, OMIM 312080, HP:0003269.
Hereditary spastic paraplegia 2 (SPG2). Also called: SPASTIC PARAPLEGIA 2, X-LINKED; Spastic Paraplegia 2 (SPG2). Identifiers: Orphanet 99015, MedGen C0751604, MONDO:0010733, OMIM 312920.

Submissions (2):

Labcorp Genetics (formerly Invitae), Labcorp
Classification: Uncertain significance for Hereditary spastic paraplegia 2. Last evaluated: 2022-11-01. Review status: criteria provided, single submitter. Criteria: Invitae Variant Classification Sherloc (09022015). Collection method: clinical testing. Allele origin: germline.
Comment: This sequence change replaces cysteine, which is neutral and slightly polar, with phenylalanine, which is neutral and non-polar, at codon 33 of the PLP1 protein (p.Cys33Phe). This variant is not present in population databases (gnomAD no frequency). This missense change has been observed in individual(s) with clinical features of hereditary spastic paraplegia and hypomyelinating leukodystrophy (Invitae). ClinVar contains an entry for this variant (Variation ID: 1479235). Advanced modeling of protein sequence and biophysical properties (such as structural, functional, and spatial information, amino acid conservation, physicochemical variation, residue mobility, and thermodynamic stability) performed at Invitae indicates that this missense variant is expected to disrupt PLP1 protein function. This variant disrupts the p.Cys33 amino acid residue in PLP1. Other variant(s) that disrupt this residue have been observed in individuals with PLP1-related conditions (PMID: 15712223, 29451896), which suggests that this may be a clinically significant amino acid residue. In summary, the available evidence is currently insufficient to determine the role of this variant in disease. Therefore, it has been classified as a Variant of Uncertain Significance.

Laboratorio de Genetica e Diagnostico Molecular, Hospital Israelita Albert Einstein
Classification: Uncertain significance for Pelizaeus-Merzbacher disease. Last evaluated: 2022-09-16. Review status: criteria provided, single submitter. Criteria: ACMG Guidelines, 2015. Collection method: clinical testing. Allele origin: germline. Affected: yes. Observed: 1 variant allele.
Comment: ACMG classification criteria: PM2 moderated, PM5 moderated, PP3 supporting

Literature cited by the submitters: PubMed 15712223 (cited by Labcorp Genetics (formerly Invitae), Labcorp); PubMed 29451896 (cited by Labcorp Genetics (formerly Invitae), Labcorp).